The following is an entry in ClinVar:

NM_032444.4(SLX4):c.3373G>A (p.Asp1125Asn)

Gene: SLX4 (SLX4 structure-specific endonuclease subunit; minus strand). Cytogenetic location: 16p13.3.
Variant type: single nucleotide variant.
Coding change: c.3373G>A on transcript NM_032444.4 (MANE Select); coding-DNA position 3373, G replaced by A.
Protein change: p.Asp1125Asn; replaces aspartic acid 1125 with asparagine.
Molecular consequence: missense variant.
Genome position (GRCh38, 1-based): chr16:3,590,265, C>T on the plus strand (G>A on the coding strand, the complement: SLX4 is on the minus strand). VCF-style: chr16-3590265-C-T. GRCh37 (hg19) VCF-style: chr16-3640266-C-T.
Other names: short protein forms D1125N.
Identifiers: ClinVar variation 2890808 (VCV002890808.3), dbSNP rs1284491197, ClinGen allele CA394520280.

ClinVar aggregate classification (germline): Uncertain significance (1 of 4 stars; one submission).

Conditions:
Fanconi anemia (FA). Also called: Fanconi's anemia. Identifiers: Orphanet 84, MedGen C0015625, MeSH D005199, MONDO:0019391.

Allele frequency attached by ClinVar (database versions not stated): gnomAD exomes below 0.00001.
gnomAD v4.1: 2 of 1,614,160 alleles (0.00012%); highest among the groups gnomAD compares: Admixed American, 0.0033%; no homozygotes.

Submission:

Labcorp Genetics (formerly Invitae), Labcorp
Classification: Uncertain significance for Fanconi anemia. Last evaluated: 2023-04-26. Review status: criteria provided, single submitter. Criteria: Invitae Variant Classification Sherloc (09022015). Collection method: clinical testing. Allele origin: germline.
Comment: In summary, the available evidence is currently insufficient to determine the role of this variant in disease. Therefore, it has been classified as a Variant of Uncertain Significance. An algorithm developed to predict the effect of missense changes on protein structure and function (PolyPhen-2) suggests that this variant is likely to be disruptive. This variant has not been reported in the literature in individuals affected with SLX4-related conditions. This variant is present in population databases (no rsID available, gnomAD 0.003%). This sequence change replaces aspartic acid, which is acidic and polar, with asparagine, which is neutral and polar, at codon 1125 of the SLX4 protein (p.Asp1125Asn).